The following is an entry in ClinVar:

ClinVar aggregate classification (germline): Uncertain significance (1 of 4 stars; one submission).

gnomAD v4.1: 2 of 1,602,868 alleles (0.00012%); highest among the groups gnomAD compares: Non-Finnish European, 0.00017%; no homozygotes.

Submission:

Labcorp Genetics (formerly Invitae), Labcorp
Classification: Uncertain significance. Last evaluated: 2025-09-14. Review status: criteria provided, single submitter. Criteria: Invitae Variant Classification Sherloc (09022015). Collection method: clinical testing. Allele origin: germline.
Comment: This sequence change affects a donor splice site in intron 42 of the FBN3 gene. It is expected to disrupt RNA splicing. Variants that disrupt the donor or acceptor splice site typically lead to a loss of protein function (PMID: 16199547), however the current clinical and genetic evidence is not sufficient to establish whether loss-of-function variants in FBN3 cause disease. This variant is not present in population databases (gnomAD no frequency). This variant has not been reported in the literature in individuals affected with FBN3-related conditions. Algorithms developed to predict the effect of sequence changes on RNA splicing suggest that this variant may disrupt the consensus splice site. In summary, the available evidence is currently insufficient to determine the role of this variant in disease. Therefore, it has been classified as a Variant of Uncertain Significance.

Literature cited by the submitters: PubMed 16199547.

NM_032447.5(FBN3):c.5287+1G>A

Gene: FBN3 (fibrillin 3; minus strand). Cytogenetic location: 19p13.2.
Variant type: single nucleotide variant.
Coding change: c.5287+1G>A on transcript NM_032447.5 (MANE Select); the canonical splice donor site of the intron after coding-DNA position 5287, G replaced by A.
Molecular consequence: splice donor variant.
Genome position (GRCh38, 1-based): chr19:8,097,288, C>T on the plus strand (G>A on the coding strand, the complement: FBN3 is on the minus strand). VCF-style: chr19-8097288-C-T. GRCh37 (hg19) VCF-style: chr19-8162172-C-T.
Other names: c.5287+1G>A (NM_001321431.2).
Identifiers: ClinVar variation 4702597 (VCV004702597.1).
Genomic context (GRCh38, chr19:8,097,288, plus strand): 5'-GCACAGTGGCGGACATGCATCCCACCCAGGCCCCAGGGCTGGGAACAGGGAGAGGTGGCA[C>T]CTTCACAAGCCAGCAGGATGCTGTTGTAGTTGAAGCCTGCGGGGCACTCGCAGCGGAAAC-3'